The following is an entry in ClinVar:

ClinVar aggregate classification (germline): Uncertain significance. Review status: criteria provided, multiple submitters, no conflicts (2 of 4 stars). 2 submissions from 2 submitters: Uncertain significance (2). Last evaluated 2025-09-09.

Conditions:
TH-deficient dopa-responsive dystonia. Also called: Segawa syndrome, autosomal recessive; Tyrosine Hydroxylase-Deficient Dopa-Responsive Dystonia; DYT-TH. Identifiers: Orphanet 101150, MedGen C2673535, MONDO:0011551, OMIM 605407.
Inborn genetic diseases. Identifiers: MedGen C0950123, MeSH D030342.

Allele frequency attached by ClinVar (database versions not stated): TOPMed 0.00001.
gnomAD v4.1: 8 of 1,594,136 alleles (0.0005%); highest among the groups gnomAD compares: African/African-American, 0.0013%; no homozygotes.

Submissions (2):

Ambry Genetics
Classification: Uncertain significance for Inborn genetic diseases. Last evaluated: 2025-09-09. Review status: criteria provided, single submitter. Criteria: Ambry Variant Classification Scheme 2023. Collection method: clinical testing. Allele origin: germline.

Labcorp Genetics (formerly Invitae), Labcorp
Classification: Uncertain significance for TH-deficient dopa-responsive dystonia. Last evaluated: 2025-06-10. Review status: criteria provided, single submitter. Criteria: Invitae Variant Classification Sherloc (09022015). Collection method: clinical testing. Allele origin: germline.
Comment: This sequence change replaces leucine, which is neutral and non-polar, with proline, which is neutral and non-polar, at codon 283 of the TH protein (p.Leu283Pro). This variant is not present in population databases (gnomAD no frequency). This variant has not been reported in the literature in individuals affected with TH-related conditions. ClinVar contains an entry for this variant (Variation ID: 856885). Invitae Evidence Modeling of protein sequence and biophysical properties (such as structural, functional, and spatial information, amino acid conservation, physicochemical variation, residue mobility, and thermodynamic stability) has been performed for this missense variant. However, the output from this modeling did not meet the statistical confidence thresholds required to predict the impact of this variant on TH protein function. In summary, the available evidence is currently insufficient to determine the role of this variant in disease. Therefore, it has been classified as a Variant of Uncertain Significance.

NM_000360.4(TH):c.755T>C (p.Leu252Pro)

Gene: TH (tyrosine hydroxylase; minus strand). Cytogenetic location: 11p15.5.
Variant type: single nucleotide variant.
Coding change: c.755T>C on transcript NM_000360.4 (MANE Select); coding-DNA position 755, T replaced by C.
Protein change: p.Leu252Pro; replaces leucine 252 with proline.
Molecular consequence: missense variant.
Genome position (GRCh38, 1-based): chr11:2,166,973, A>G on the plus strand (T>C on the coding strand, the complement: TH is on the minus strand). VCF-style: chr11-2166973-A-G. GRCh37 (hg19) VCF-style: chr11-2188203-A-G.
Other names: c.848T>C, p.Leu283Pro (NM_199292.3); c.836T>C, p.Leu279Pro (NM_199293.3); short protein forms L252P, L279P, L283P.
Identifiers: ClinVar variation 856885 (VCV000856885.9), dbSNP rs978552119, ClinGen allele CA379126887.